The following is an entry in ClinVar:

ClinVar aggregate classification (germline): Uncertain significance. Review status: criteria provided, multiple submitters, no conflicts (2 of 4 stars). 2 submissions from 2 submitters: Uncertain significance (2). Last evaluated 2025-03-16.

Conditions:
Symmetrical dyschromatosis of extremities (DSH). Also called: Dyschromatosis symmetrica hereditaria; RETICULATE ACROPIGMENTATION OF DOHI; DYSCHROMATOSIS SYMMETRICA HEREDITARIA 1; SYMMETRIC DYSCHROMATOSIS OF THE EXTREMITIES. Identifiers: Orphanet 41, MedGen C0406775, MONDO:0007483, OMIM 127400.
Aicardi-Goutieres syndrome 6 (AGS6). Identifiers: Orphanet 51, MedGen C3539013, MONDO:0014007, OMIM 615010.

Submissions (2):

Labcorp Genetics (formerly Invitae), Labcorp
Classification: Uncertain significance for Aicardi-Goutieres syndrome 6; Symmetrical dyschromatosis of extremities. Last evaluated: 2025-03-16. Review status: criteria provided, single submitter. Criteria: Invitae Variant Classification Sherloc (09022015). Collection method: clinical testing. Allele origin: germline.
Comment: This sequence change replaces proline, which is neutral and non-polar, with serine, which is neutral and polar, at codon 965 of the ADAR protein (p.Pro965Ser). This variant is not present in population databases (gnomAD no frequency). This variant has not been reported in the literature in individuals affected with ADAR-related conditions. ClinVar contains an entry for this variant (Variation ID: 2931788). Invitae Evidence Modeling of protein sequence and biophysical properties (such as structural, functional, and spatial information, amino acid conservation, physicochemical variation, residue mobility, and thermodynamic stability) has been performed for this missense variant. However, the output from this modeling did not meet the statistical confidence thresholds required to predict the impact of this variant on ADAR protein function. In summary, the available evidence is currently insufficient to determine the role of this variant in disease. Therefore, it has been classified as a Variant of Uncertain Significance.

Blueprint Genetics
Classification: Uncertain significance. Last evaluated: 2021-09-21. Review status: criteria provided, single submitter. Criteria: ACMG Guidelines, 2015. Collection method: clinical testing. Allele origin: germline.

NM_001111.5(ADAR):c.2893C>T (p.Pro965Ser)

Gene: ADAR (adenosine deaminase RNA specific; minus strand). Cytogenetic location: 1q21.3.
Variant type: single nucleotide variant.
Coding change: c.2893C>T on transcript NM_001111.5 (MANE Select); coding-DNA position 2893, C replaced by T.
Protein change: p.Pro965Ser; replaces proline 965 with serine.
Molecular consequence: missense variant.
Genome position (GRCh38, 1-based): chr1:154,588,251, G>A on the plus strand (C>T on the coding strand, the complement: ADAR is on the minus strand). VCF-style: chr1-154588251-G-A. GRCh37 (hg19) VCF-style: chr1-154560727-G-A.
Other names: c.2008C>T, p.Pro670Ser (NM_001025107.3, NM_001193495.2, NM_001365046.1 and 2 more transcripts); c.2920C>T, p.Pro974Ser (NM_001365045.1); c.1930C>T, p.Pro644Ser (NM_001365049.1); c.2815C>T, p.Pro939Ser (NM_015840.4); c.2758C>T, p.Pro920Ser (NM_015841.4); short protein forms P670S, P939S, P644S, P920S, P965S, P974S.
Identifiers: ClinVar variation 2931788 (VCV002931788.4), dbSNP rs2526488167, ClinGen allele CA342636198.